The following is an entry in ClinVar:

ClinVar aggregate classification (germline): Likely benign. Review status: criteria provided, multiple submitters, no conflicts (2 of 4 stars). 2 submissions from 2 submitters: Likely benign (2). Last evaluated 2026-04-01.

Conditions:
Inborn genetic diseases. Identifiers: MedGen C0950123, MeSH D030342.

Allele frequency attached by ClinVar (database versions not stated): gnomAD exomes 0.00007; ExAC 0.00018; 1000 Genomes Project 0.00060; 1000 Genomes Project 30x 0.00062; gnomAD 0.00065; ESP Exome Variant Server 0.00085; TOPMed 0.00085.
gnomAD v4.1: 208 of 1,614,114 alleles (0.013%); highest among the groups gnomAD compares: African/African-American, 0.23%; no homozygotes.

Submissions (2):

CeGaT Center for Human Genetics Tuebingen
Classification: Likely benign. Last evaluated: 2026-04-01. Review status: criteria provided, single submitter. Criteria: CeGaT Center For Human Genetics Tuebingen Variant Classification Criteria Version 2. Collection method: clinical testing. Allele origin: germline. Affected: yes. Observed: 1 variant allele.
Comment: ZNF462: BS1

Ambry Genetics
Classification: Likely benign for Inborn genetic diseases. Last evaluated: 2022-02-10. Review status: criteria provided, single submitter. Criteria: Ambry Variant Classification Scheme 2023. Collection method: clinical testing. Allele origin: germline.

NM_021224.6(ZNF462):c.1064G>A (p.Gly355Asp)

Gene: ZNF462 (zinc finger protein 462; plus strand). Cytogenetic location: 9q31.2.
Variant type: single nucleotide variant.
Coding change: c.1064G>A on transcript NM_021224.6 (MANE Select); coding-DNA position 1064, G replaced by A.
Protein change: p.Gly355Asp; replaces glycine 355 with aspartic acid.
Molecular consequence: missense variant.
Genome position (GRCh38, 1-based): chr9:106,924,976, G>A. VCF-style: chr9-106924976-G-A. GRCh37 (hg19) VCF-style: chr9-109687257-G-A.
Other names: c.1064G>A, p.Gly355Asp (NM_001347997.2); short protein forms G355D.
Identifiers: ClinVar variation 2219399 (VCV002219399.4), dbSNP rs73522973, ClinGen allele CA5171270.